The following is an entry in ClinVar:

NM_000061.3(BTK):c.588+2T>A

Gene: BTK (Bruton tyrosine kinase; minus strand). Cytogenetic location: Xq22.1.
Variant type: single nucleotide variant.
Coding change: c.588+2T>A on transcript NM_000061.3 (MANE Select); the canonical splice donor site of the intron after coding-DNA position 588, T replaced by A.
Molecular consequence: splice donor variant.
Genome position (GRCh38, 1-based): chrX:101,362,171, A>T on the plus strand (T>A on the coding strand, the complement: BTK is on the minus strand). VCF-style: chrX-101362171-A-T. GRCh37 (hg19) VCF-style: chrX-100617159-A-T.
Other names: c.690+2T>A (NM_001287344.2); c.588+2T>A (NM_001287345.2).
Identifiers: ClinVar variation 495528 (VCV000495528.1), dbSNP rs1555978777, ClinGen allele CA413933897.

ClinVar aggregate classification (germline): Likely pathogenic (1 of 4 stars; one submission).

Conditions:
X-linked agammaglobulinemia (XLA). Also called: Bruton-type agammaglobulinemia; IMMUNODEFICIENCY 1; Bruton's agammaglobulinemia; Agammaglobulinemia, Bruton tyrosine kinase; Agammaglobulinemia, BTK; BTK-deficiency. Identifiers: Orphanet 229717, Orphanet 47, MedGen C0221026, MONDO:0010421, OMIM 300755.

Submission:

Women's Health and Genetics/Laboratory Corporation of America, LabCorp
Classification: Likely pathogenic for X-linked agammaglobulinemia. Last evaluated: 2016-06-30. Review status: criteria provided, single submitter. Criteria: LabCorp Variant Classification Summary - May 2015. Collection method: clinical testing. Allele origin: germline.
Comment: Variant summary: The BTK c.588+2T>A variant involves the alteration of a conserved intronic nucleotide with 5/5 splice prediction tools predicting a loss of a splice-site, although these predictions have yet to be functionally assessed. The variant of interest was not observed in controls (ExAC, 1000 Gs or ESP), nor has it been, to our knowledge, reported in affected individuals via publications and/or reputable databases/clinical laboratories. However, another variant at this position, c.588+2T>C has been classified by our group as a pathogenic variant. Therefore, taking all available lines of evidence into consideration, the variant of interest has been classified as Likely Pathogenic.